The following is an entry in ClinVar:

NM_007294.4(BRCA1):c.55C>T (p.Gln19Ter)

Gene: BRCA1 (BRCA1 DNA repair associated; minus strand). Cytogenetic location: 17q21.31.
Variant type: single nucleotide variant.
Coding change: c.55C>T on transcript NM_007294.4 (MANE Select); coding-DNA position 55, C replaced by T.
Protein change: p.Gln19Ter; replaces glutamine 19 with a stop codon.
Molecular consequence: nonsense. On other transcripts: 5 prime UTR variant (1), non-coding transcript variant (1).
Genome position (GRCh38, 1-based): chr17:43,124,042, G>A on the plus strand (C>T on the coding strand, the complement: BRCA1 is on the minus strand). VCF-style: chr17-43124042-G-A. GRCh37 (hg19) VCF-style: chr17-41276059-G-A.
Other names: 174C>T Gln19X; c.55C>T, p.Gln19Ter (NM_001407683.1, NM_001407684.1, NM_001407685.1 and 193 more transcripts); c.-203C>T (NM_001407694.1, NM_001407724.1, NM_001407727.1 and 11 more transcripts); c.-207C>T (NM_001407695.1, NM_001408465.1); c.-348C>T (NM_001407696.1); c.-232C>T (NM_001407697.1, NM_001407846.1, NM_001407920.1); c.-33C>T (NM_001407698.1, NM_001407732.1, NM_001407736.1 and 23 more transcripts); c.-206C>T (NM_001407725.1, NM_001407730.1, NM_001407734.1 and 22 more transcripts); and 9 more; short protein forms Q19*.
Identifiers: ClinVar variation 55638 (VCV000055638.23), dbSNP rs397509299, ClinGen allele CA003737.

ClinVar aggregate classification (germline): Pathogenic. Review status: reviewed by expert panel (3 of 4 stars). 8 submissions from 8 submitters: Pathogenic (1). 7 of the submissions do not count toward it. Last evaluated 2016-10-18.

Conditions:
Breast and/or ovarian cancer. Identifiers: MedGen CN221562.
Hereditary cancer-predisposing syndrome. Also called: Hereditary Cancer Syndrome; Hereditary neoplastic syndrome; Neoplastic Syndromes, Hereditary; Tumor predisposition. Identifiers: Orphanet 140162, MedGen C0027672, MeSH D009386, MONDO:0015356.
Inherited breast cancer and ovarian cancer.
Breast-ovarian cancer, familial, susceptibility to, 1 (BROVCA1). Also called: BRCA1 Hereditary Breast and Ovarian Cancer; OVARIAN CANCER, SUSCEPTIBILITY TO. Identifiers: Orphanet 145, MedGen C2676676, MONDO:0011450, OMIM 604370. Disease mechanism: loss of function.
Hereditary breast ovarian cancer syndrome. Also called: BRCA1- and BRCA2-Associated Hereditary Breast and Ovarian Cancer; Hereditary breast and ovarian cancer syndrome; Hereditary breast and ovarian cancer syndrome (HBOC); Breast and ovarian cancer; Hereditary breast and/or ovarian cancer syndrome; Hereditary breast and ovarian cancer. Identifiers: Orphanet 145, MedGen C0677776, MeSH D061325, MONDO:0003582. Disease mechanism: loss of function.

Submissions (9):

Evidence-based Network for the Interpretation of Germline Mutant Alleles (ENIGMA)
Classification: Pathogenic for Breast-ovarian cancer, familial, susceptibility to, 1. Last evaluated: 2016-10-18. Review status: reviewed by expert panel. Criteria: ENIGMA BRCA1/2 Classification Criteria (2015). Collection method: curation. Allele origin: germline.
Comment: Variant allele predicted to encode a truncated non-functional protein.

Genetics Laboratory, Great Ormond Street Hospital NHS Foundation Trust, North Thames Genomic Laboratory Hub
Classification: Pathogenic for Inherited breast cancer and ovarian cancer. Last evaluated: 2026-07-22. Review status: criteria provided, single submitter. Criteria: CanVIG BRCA Gene Specific V1.22. Collection method: clinical testing. Allele origin: germline. Affected: yes. Not counted in ClinVar's aggregate classification.
Comment: PM2_moderate, PVS1_very-strong, PM5_strong

Quest Diagnostics Nichols Institute San Juan Capistrano
Classification: Pathogenic. Last evaluated: 2022-01-21. Review status: criteria provided, single submitter. Criteria: Quest Diagnostics criteria. Collection method: clinical testing. Allele origin: unknown. Not counted in ClinVar's aggregate classification.
Comment: This nonsense variant causes the premature termination of BRCA1 protein synthesis. This variant has not been reported in large, multi-ethnic general populations. In the published literature, this variant has been reported in an individual with personal and/or family history of breast cancer (PMID: 18489799 (2018)). It has also been reported in a large-scale screening study of BRCA1 and BRCA2 mutation carriers (PMID: 29446198 (2018). Based on the available information, this variant is classified as pathogenic.

Color Diagnostics, LLC DBA Color Health
Classification: Pathogenic for Hereditary cancer-predisposing syndrome. Last evaluated: 2020-01-15. Review status: criteria provided, single submitter. Criteria: ACMG Guidelines, 2015. Collection method: clinical testing. Allele origin: germline. Not counted in ClinVar's aggregate classification.
Comment: This variant changes 1 nucleotide in exon 2 of the BRCA1 gene, creating a premature translation stop signal. This variant is expected to result in an absent or non-functional protein product. This variant has not been identified in the general population by the Genome Aggregation Database (gnomAD). Loss of BRCA1 function is a known mechanism of disease. Based on the available evidence, this variant is classified as Pathogenic.

Labcorp Genetics (formerly Invitae), Labcorp
Classification: Pathogenic for Hereditary breast ovarian cancer syndrome. Last evaluated: 2019-11-28. Review status: criteria provided, single submitter. Criteria: Invitae Variant Classification Sherloc (09022015). Collection method: clinical testing. Allele origin: germline. Not counted in ClinVar's aggregate classification.
Comment: This variant is not present in population databases (ExAC no frequency). This sequence change creates a premature translational stop signal (p.Gln19*) in the BRCA1 gene. It is expected to result in an absent or disrupted protein product. This variant has been observed in individual(s) with a personal and/or family history of breast and ovarian cancer (PMID: 18489799). ClinVar contains an entry for this variant (Variation ID: 55638). For these reasons, this variant has been classified as Pathogenic. Loss-of-function variants in BRCA1 are known to be pathogenic (PMID: 20104584).

Consortium of Investigators of Modifiers of BRCA1/2 (CIMBA), c/o University of Cambridge
Classification: Pathogenic for Breast-ovarian cancer, familial, susceptibility to, 1. Last evaluated: 2015-10-02. Review status: criteria provided, single submitter. Criteria: CIMBA Mutation Classification guidelines May 2016. Collection method: clinical testing. Allele origin: germline. Not counted in ClinVar's aggregate classification.

Molecular Endocrinology Laboratory, Christian Medical College
Classification: Pathogenic for Breast-ovarian cancer, familial, susceptibility to, 1. Review status: criteria provided, single submitter. Criteria: ACMG Guidelines, 2015. Collection method: clinical testing. Allele origin: germline. Affected: yes. Not counted in ClinVar's aggregate classification.

CZECANCA consortium
Classification: Pathogenic for Breast and/or ovarian cancer. Last evaluated: 2019-06-11. Review status: no assertion criteria provided. Collection method: clinical testing. Allele origin: germline. Affected: yes. Observed: 1 variant allele. Not counted in ClinVar's aggregate classification.

Brotman Baty Institute, University of Washington
No classification provided (evidence only). Condition: Breast-ovarian cancer, familial 1. Review status: no classification provided. Collection method: in vitro. Allele origin: not applicable. Functional consequence: functionally_abnormal. Not counted in ClinVar's aggregate classification.
ClinVar note: "not provided" was previously submitted as the classification for the variant. However, the classification appeared to be based only on an observation of functional data so it was converted to no classification on 2025-07-30.

Literature cited by the submitters: PubMed 30209399 (cited by Quest Diagnostics Nichols Institute San Juan Capistrano); PubMed 18489799 (cited by Quest Diagnostics Nichols Institute San Juan Capistrano and Labcorp Genetics (formerly Invitae), Labcorp); PubMed 29446198 (cited by Quest Diagnostics Nichols Institute San Juan Capistrano); PubMed 20104584 (cited by Labcorp Genetics (formerly Invitae), Labcorp); PubMed 32295079 (cited by Molecular Endocrinology Laboratory, Christian Medical College and CZECANCA consortium).